The following is an entry in ClinVar:

ClinVar aggregate classification (germline): Uncertain significance (1 of 4 stars; one submission).

Conditions:
Amyotrophic lateral sclerosis type 21. Also called: MYOPATHY, DISTAL, 2; VOCAL CORD AND PHARYNGEAL DYSFUNCTION WITH DISTAL MYOPATHY. Identifiers: Orphanet 600, Orphanet 803, MedGen C3807521, MONDO:0011632, OMIM 606070.

Submission:

Labcorp Genetics (formerly Invitae), Labcorp
Classification: Uncertain significance for Amyotrophic lateral sclerosis type 21. Last evaluated: 2023-03-03. Review status: criteria provided, single submitter. Criteria: Invitae Variant Classification Sherloc (09022015). Collection method: clinical testing. Allele origin: germline.
Comment: This sequence change replaces glutamic acid, which is acidic and polar, with aspartic acid, which is acidic and polar, at codon 657 of the MATR3 protein (p.Glu657Asp). This variant is not present in population databases (gnomAD no frequency). This variant has not been reported in the literature in individuals affected with MATR3-related conditions. Advanced modeling of protein sequence and biophysical properties (such as structural, functional, and spatial information, amino acid conservation, physicochemical variation, residue mobility, and thermodynamic stability) performed at Invitae indicates that this missense variant is not expected to disrupt MATR3 protein function. In summary, the available evidence is currently insufficient to determine the role of this variant in disease. Therefore, it has been classified as a Variant of Uncertain Significance.

NM_018834.6(MATR3):c.1971G>C (p.Glu657Asp)

Genes: MATR3 (matrin 3; plus strand), LOC126807526 (CDK7 strongly-dependent group 2 enhancer GRCh37_chr5:138657767-138658966; plus strand). Cytogenetic location: 5q31.2.
Variant type: single nucleotide variant.
Coding change: c.1971G>C on transcript NM_018834.6 (MANE Select); coding-DNA position 1971, G replaced by C.
Protein change: p.Glu657Asp; replaces glutamic acid 657 with aspartic acid.
Molecular consequence: missense variant.
Genome position (GRCh38, 1-based): chr5:139,322,790, G>C. VCF-style: chr5-139322790-G-C. GRCh37 (hg19) VCF-style: chr5-138658479-G-C.
Other names: c.1971G>C, p.Glu657Asp (NM_001194954.2, NM_001194955.2, NM_001400441.1 and 16 more transcripts); c.1107G>C, p.Glu369Asp (NM_001194956.2); c.957G>C, p.Glu319Asp (NM_001282278.2, NM_001400460.1, NM_001400462.1 and 5 more transcripts); c.1110G>C, p.Glu370Asp (NM_001400459.1); c.1071G>C, p.Glu357Asp (NM_001400461.1); short protein forms E370D, E369D, E319D, E657D, E357D.
Identifiers: ClinVar variation 2827086 (VCV002827086.3), dbSNP rs903983733, ClinGen allele CA361144083.